The following is an entry in ClinVar:

ClinVar aggregate classification (germline): Likely benign (0 of 4 stars; one submission).

Conditions:
ACOX2-related disorder. Also called: ACOX2-related condition.

Allele frequency attached by ClinVar (database versions not stated): ExAC 0.00002.
gnomAD v4.1: 4 of 1,610,840 alleles (0.00025%); highest among the groups gnomAD compares: South Asian, 0.0044%; no homozygotes.

Submission:

PreventionGenetics, part of Exact Sciences
Classification: Likely benign for ACOX2-related condition. Last evaluated: 2023-03-14. Review status: no assertion criteria provided. Collection method: clinical testing. Allele origin: germline.
Comment: This variant is classified as likely benign based on ACMG/AMP sequence variant interpretation guidelines (Richards et al. 2015 PMID: 25741868, with internal and published modifications).

NM_003500.4(ACOX2):c.*10C>T

Gene: ACOX2 (acyl-CoA oxidase 2; minus strand). Cytogenetic location: 3p14.3.
Variant type: single nucleotide variant.
Coding change: c.*10C>T on transcript NM_003500.4 (MANE Select); 10 bases downstream of the stop codon, C replaced by T.
Molecular consequence: 3 prime UTR variant.
Genome position (GRCh38, 1-based): chr3:58,505,214, G>A on the plus strand (C>T on the coding strand, the complement: ACOX2 is on the minus strand). VCF-style: chr3-58505214-G-A. GRCh37 (hg19) VCF-style: chr3-58490941-G-A.
Identifiers: ClinVar variation 3052899 (VCV003052899.2), dbSNP rs769731964, ClinGen allele CA2471848.